The following is an entry in ClinVar:

NM_031935.3(HMCN1):c.771G>T (p.Met257Ile)

Gene: HMCN1 (hemicentin 1; plus strand). Cytogenetic location: 1q31.1.
Variant type: single nucleotide variant.
Coding change: c.771G>T on transcript NM_031935.3 (MANE Select); coding-DNA position 771, G replaced by T.
Protein change: p.Met257Ile; replaces methionine 257 with isoleucine.
Molecular consequence: missense variant.
Genome position (GRCh38, 1-based): chr1:185,909,486, G>T. VCF-style: chr1-185909486-G-T. GRCh37 (hg19) VCF-style: chr1-185878618-G-T.
Other names: c.771G>T (NM_031935.2); short protein forms M257I.
Identifiers: ClinVar variation 2186039 (VCV002186039.5), dbSNP rs1354731278, ClinGen allele CA343883966.

ClinVar aggregate classification (germline): Uncertain significance. Review status: criteria provided, multiple submitters, no conflicts (2 of 4 stars). 2 submissions from 2 submitters: Uncertain significance (2). Last evaluated 2024-03-07.

Allele frequency attached by ClinVar (database versions not stated): gnomAD exomes 0.00001; TOPMed 0.00002; gnomAD 0.00003.
gnomAD v4.1: 8 of 1,613,290 alleles (0.0005%); highest among the groups gnomAD compares: African/African-American, 0.0093%; no homozygotes.

Submissions (2):

Ambry Genetics
Classification: Uncertain significance. Last evaluated: 2024-03-07. Review status: criteria provided, single submitter. Criteria: Ambry Variant Classification Scheme 2023. Collection method: clinical testing. Allele origin: germline.

Labcorp Genetics (formerly Invitae), Labcorp
Classification: Uncertain significance. Last evaluated: 2022-10-14. Review status: criteria provided, single submitter. Criteria: Invitae Variant Classification Sherloc (09022015). Collection method: clinical testing. Allele origin: germline.
Comment: In summary, the available evidence is currently insufficient to determine the role of this variant in disease. Therefore, it has been classified as a Variant of Uncertain Significance. This sequence change replaces methionine, which is neutral and non-polar, with isoleucine, which is neutral and non-polar, at codon 257 of the HMCN1 protein (p.Met257Ile). This variant is present in population databases (no rsID available, gnomAD 0.01%). This variant has not been reported in the literature in individuals affected with HMCN1-related conditions. Algorithms developed to predict the effect of missense changes on protein structure and function output the following: SIFT: "Tolerated"; PolyPhen-2: "Benign"; Align-GVGD: "Class C0". The isoleucine amino acid residue is found in multiple mammalian species, which suggests that this missense change does not adversely affect protein function.